The following is an entry in ClinVar:

ClinVar aggregate classification (germline): Pathogenic. Review status: criteria provided, multiple submitters, no conflicts (2 of 4 stars). 2 submissions from 2 submitters: Pathogenic (2). Last evaluated 2026-10-01.

Conditions:
Ataxia-telangiectasia syndrome (AT). Also called: Ataxia-telangiectasia, complementation group E; LOUIS-BAR SYNDROME; Cerebello-oculocutaneous telangiectasia; Immunodeficiency with ataxia telangiectasia; Ataxia-telangiectasia, complementation group D; AT, COMPLEMENTATION GROUP C. Identifiers: Orphanet 100, MedGen C0004135, MONDO:0008840, OMIM 208900.

Submissions (2):

St. Jude Molecular Pathology, St. Jude Children's Research Hospital
Classification: Pathogenic for Ataxia-telangiectasia syndrome. Last evaluated: 2026-10-01. Review status: criteria provided, single submitter. Criteria: St. Jude Assertion Criteria 2020. Collection method: clinical testing. Allele origin: germline.
Comment: The ATM c.3692_3716del p.(Leu1231Ter) change deletes 25 nucleotides to cause a frameshift and the creation of a pr emature stop codon. This change is predicted to cause protein truncation or absence of protein due to nonsense-mediated decay. To our knowledge, this variant has not been reported in individuals with ataxia telangiectasia. This variant is absent in gnomA D v2.1.1. In summary, this variant meets criteria to be classified as pathogenic.

Labcorp Genetics (formerly Invitae), Labcorp
Classification: Pathogenic for Ataxia-telangiectasia syndrome. Last evaluated: 2019-05-21. Review status: criteria provided, single submitter. Criteria: Invitae Variant Classification Sherloc (09022015). Collection method: clinical testing. Allele origin: germline.
Comment: For these reasons, this variant has been classified as Pathogenic. Loss-of-function variants in ATM are known to be pathogenic (PMID: 23807571, 25614872). This variant has not been reported in the literature in individuals with ATM-related conditions. This variant is not present in population databases (ExAC no frequency). This sequence change creates a premature translational stop signal (p.Leu1231*) in the ATM gene. It is expected to result in an absent or disrupted protein product.

Literature cited by the submitters: PubMed 23807571 (cited by Labcorp Genetics (formerly Invitae), Labcorp); PubMed 25614872 (cited by Labcorp Genetics (formerly Invitae), Labcorp).

NM_000051.4(ATM):c.3692_3716del (p.Asn1230_Leu1231insTer)

Gene: ATM (ATM serine/threonine kinase; plus strand). Cytogenetic location: 11q22.3.
Variant type: Deletion.
Coding change: c.3692_3716del on transcript NM_000051.4 (MANE Select); coding-DNA positions 3692 to 3716, 25 bases deleted (TATCTTCTTTTCCTTTTATTTTATT).
Protein change: p.Asn1230_Leu1231insTer.
Molecular consequence: nonsense.
Genome position (GRCh38, 1-based): chr11:108,282,825-108,282,849, TATCTTCTTTTCCTTTTATTTTATT deleted; deleting any 25 consecutive bases within chr11:108,282,824-108,282,849 gives the same sequence; the c. name uses the placement nearest the transcript's 3' end. VCF-style (leftmost placement, unchanged base first): chr11-108282823-CTTATCTTCTTTTCCTTTTATTTTAT-C. GRCh37 (hg19) VCF-style: chr11-108153550-CTTATCTTCTTTTCCTTTTATTTTAT-C.
Other names: c.3692_3716del, p.Asn1230_Leu1231insTer (NM_001351834.2).
Identifiers: ClinVar variation 855697 (VCV000855697.8), dbSNP rs2082304563, ClinGen allele CA916079964.